The following is an entry in ClinVar:

NM_000179.3(MSH6):c.1000A>C (p.Lys334Gln)

Gene: MSH6 (mutS homolog 6; plus strand). Cytogenetic location: 2p16.3.
Variant type: single nucleotide variant.
Coding change: c.1000A>C on transcript NM_000179.3 (MANE Select); coding-DNA position 1000, A replaced by C.
Protein change: p.Lys334Gln; replaces lysine 334 with glutamine.
Molecular consequence: missense variant.
Genome position (GRCh38, 1-based): chr2:47,798,983, A>C. VCF-style: chr2-47798983-A-C. GRCh37 (hg19) VCF-style: chr2-48026122-A-C.
Other names: c.610A>C, p.Lys204Gln (NM_001281492.2); c.94A>C, p.Lys32Gln (NM_001281493.2, NM_001281494.2, NM_001406811.1 and 6 more transcripts); c.1096A>C, p.Lys366Gln (NM_001406795.1, NM_001406802.1); c.1000A>C, p.Lys334Gln (NM_001406796.1, NM_001406798.1, NM_001406800.1 and 4 more transcripts); c.703A>C, p.Lys235Gln (NM_001406797.1, NM_001406801.1, NM_001406805.1 and 10 more transcripts); c.475A>C, p.Lys159Gln (NM_001406799.1, NM_001406806.1, NM_001406807.1); c.922A>C, p.Lys308Gln (NM_001406804.1); c.1006A>C, p.Lys336Gln (NM_001406813.1); and 1 more; short protein forms K159Q, K278Q, K366Q, K235Q, K204Q, K308Q, K32Q, K334Q.
Identifiers: ClinVar variation 1732441 (VCV001732441.8), dbSNP rs1281919828, ClinGen allele CA346741170.

ClinVar aggregate classification (germline): Uncertain significance. Review status: criteria provided, multiple submitters, no conflicts (2 of 4 stars). 2 submissions from 2 submitters: Uncertain significance (2). Last evaluated 2025-07-30.

Conditions:
Hereditary nonpolyposis colorectal neoplasms. Identifiers: MedGen C0009405, MeSH D003123.
Hereditary cancer-predisposing syndrome. Also called: Neoplastic Syndromes, Hereditary; Tumor predisposition; Hereditary Cancer Syndrome; Hereditary neoplastic syndrome. Identifiers: Orphanet 140162, MedGen C0027672, MeSH D009386, MONDO:0015356.

Allele frequency attached by ClinVar (database versions not stated): TOPMed below 0.00001.

Submissions (2):

Ambry Genetics
Classification: Uncertain significance for Hereditary cancer-predisposing syndrome. Last evaluated: 2025-07-30. Review status: criteria provided, single submitter. Criteria: Ambry Variant Classification Scheme 2023. Collection method: clinical testing. Allele origin: germline.
Comment: The p.K334Q variant (also known as c.1000A>C), located in coding exon 4 of the MSH6 gene, results from an A to C substitution at nucleotide position 1000. The lysine at codon 334 is replaced by glutamine, an amino acid with similar properties. This amino acid position is well conserved in available vertebrate species. In addition, the in silico prediction for this alteration is inconclusive. Based on the available evidence, the clinical significance of this variant remains unclear.

Labcorp Genetics (formerly Invitae), Labcorp
Classification: Uncertain significance for Hereditary nonpolyposis colorectal neoplasms. Last evaluated: 2024-06-30. Review status: criteria provided, single submitter. Criteria: Invitae Variant Classification Sherloc (09022015). Collection method: clinical testing. Allele origin: germline.
Comment: This sequence change replaces lysine, which is basic and polar, with glutamine, which is neutral and polar, at codon 334 of the MSH6 protein (p.Lys334Gln). This variant is not present in population databases (gnomAD no frequency). This variant has not been reported in the literature in individuals affected with MSH6-related conditions. ClinVar contains an entry for this variant (Variation ID: 1732441). Advanced modeling of protein sequence and biophysical properties (such as structural, functional, and spatial information, amino acid conservation, physicochemical variation, residue mobility, and thermodynamic stability) performed at Invitae indicates that this missense variant is not expected to disrupt MSH6 protein function with a negative predictive value of 95%. In summary, the available evidence is currently insufficient to determine the role of this variant in disease. Therefore, it has been classified as a Variant of Uncertain Significance.